The following is an entry in ClinVar:

NM_001035.3(RYR2):c.272G>A (p.Gly91Glu)

Gene: RYR2 (ryanodine receptor 2; plus strand). Cytogenetic location: 1q43.
Variant type: single nucleotide variant.
Coding change: c.272G>A on transcript NM_001035.3 (MANE Select); coding-DNA position 272, G replaced by A.
Protein change: p.Gly91Glu; replaces glycine 91 with glutamic acid.
Molecular consequence: missense variant.
Genome position (GRCh38, 1-based): chr1:237,330,981, G>A. VCF-style: chr1-237330981-G-A. GRCh37 (hg19) VCF-style: chr1-237494281-G-A.
Other names: short protein forms G91E.
Identifiers: ClinVar variation 920750 (VCV000920750.3), dbSNP rs1696651542, ClinGen allele CA069607.

ClinVar aggregate classification (germline): Uncertain significance (1 of 4 stars; one submission).

Conditions:
Cardiomyopathy (CMYO). Also called: Cardiomyopathies. Identifiers: Orphanet 167848, MedGen C0878544, MONDO:0004994, HP:0001638. Inheritance: Various modes of inheritance.

Submission:

Color Diagnostics, LLC DBA Color Health
Classification: Uncertain significance for Cardiomyopathy. Last evaluated: 2019-05-20. Review status: criteria provided, single submitter. Criteria: ACMG Guidelines, 2015. Collection method: clinical testing. Allele origin: germline.
Comment: This missense variant replaces glycine with glutamic acid at codon 91 of the RYR2 protein. Computational prediction tools and conservation analyses are inconclusive regarding the impact of this variant on the protein function. Computational splicing tools are inconclusive regarding the impact of this variant on RNA splicing. To our knowledge, functional assays have not been performed for this variant nor has this variant been reported in individuals affected with cardiovascular disorders in the literature. This variant has not been identified in the general population by the Genome Aggregation Database (gnomAD). Available evidence is insufficient to determine the role of this variant in disease conclusively. Therefore, this variant is classified as a Variant of Uncertain Significance.